The following is an entry in ClinVar:

NM_024529.5(CDC73):c.908A>G (p.Glu303Gly)

Gene: CDC73 (cell division cycle 73; plus strand). Cytogenetic location: 1q31.2.
Variant type: single nucleotide variant.
Coding change: c.908A>G on transcript NM_024529.5 (MANE Select); coding-DNA position 908, A replaced by G.
Protein change: p.Glu303Gly; replaces glutamic acid 303 with glycine.
Molecular consequence: missense variant.
Genome position (GRCh38, 1-based): chr1:193,152,380, A>G. VCF-style: chr1-193152380-A-G. GRCh37 (hg19) VCF-style: chr1-193121510-A-G.
Other names: short protein forms E303G.
Identifiers: ClinVar variation 3998677 (VCV003998677.1).

ClinVar aggregate classification (germline): Uncertain significance (1 of 4 stars; one submission).

Conditions:
Hereditary cancer-predisposing syndrome. Also called: Tumor predisposition; Hereditary neoplastic syndrome; Neoplastic Syndromes, Hereditary; Hereditary Cancer Syndrome. Identifiers: Orphanet 140162, MedGen C0027672, MeSH D009386, MONDO:0015356.

Submission:

Ambry Genetics
Classification: Uncertain significance for Hereditary cancer-predisposing syndrome. Last evaluated: 2025-04-18. Review status: criteria provided, single submitter. Criteria: Ambry Variant Classification Scheme 2023. Collection method: clinical testing. Allele origin: germline.
Comment: The p.E303G variant (also known as c.908A>G) is located in coding exon 10 of the CDC73 gene. The glutamic acid at codon 303 is replaced by glycine, an amino acid with similar properties. This change occurs in the first base pair of coding exon 10. This amino acid position is conserved. In addition, the in silico prediction for this alteration is inconclusive. Based on the available evidence, the clinical significance of this variant remains unclear.